The following is an entry in ClinVar:

ClinVar aggregate classification (germline): Uncertain significance (1 of 4 stars; one submission).

Allele frequency attached by ClinVar (database versions not stated): TOPMed 0.00001.

Submission:

GeneDx
Classification: Uncertain significance. Last evaluated: 2020-01-14. Review status: criteria provided, single submitter. Criteria: GeneDx Variant Classification Process June 2021. Collection method: clinical testing. Allele origin: germline. Affected: yes.
Comment: Not observed in large population cohorts (Lek et al., 2016); In silico analysis, which includes protein predictors and evolutionary conservation, supports that this variant does not alter protein structure/function; Has not been previously published as pathogenic or benign to our knowledge

NM_004840.3(ARHGEF6):c.692G>A (p.Gly231Glu)

Gene: ARHGEF6 (Rac/Cdc42 guanine nucleotide exchange factor 6; minus strand). Cytogenetic location: Xq26.3.
Variant type: single nucleotide variant.
Coding change: c.692G>A on transcript NM_004840.3 (MANE Select); coding-DNA position 692, G replaced by A.
Protein change: p.Gly231Glu; replaces glycine 231 with glutamic acid.
Molecular consequence: missense variant.
Genome position (GRCh38, 1-based): chrX:136,732,142, C>T on the plus strand (G>A on the coding strand, the complement: ARHGEF6 is on the minus strand). VCF-style: chrX-136732142-C-T. GRCh37 (hg19) VCF-style: chrX-135814301-C-T.
Other names: c.230G>A, p.Gly77Glu (NM_001306177.2); short protein forms G231E, G77E.
Identifiers: ClinVar variation 1194066 (VCV001194066.2), dbSNP rs2076941736, ClinGen allele CA414756573.